The following is an entry in ClinVar:

NM_001330260.2(SCN8A):c.1691G>A (p.Ser564Asn)

Gene: SCN8A (sodium voltage-gated channel alpha subunit 8; plus strand). Cytogenetic location: 12q13.13.
Variant type: single nucleotide variant.
Coding change: c.1691G>A on transcript NM_001330260.2 (MANE Select); coding-DNA position 1691, G replaced by A.
Protein change: p.Ser564Asn; replaces serine 564 with asparagine.
Molecular consequence: missense variant.
Genome position (GRCh38, 1-based): chr12:51,721,601, G>A. VCF-style: chr12-51721601-G-A. GRCh37 (hg19) VCF-style: chr12-52115385-G-A.
Other names: c.1691G>A, p.Ser564Asn (NM_001177984.3, NM_001369788.1, NM_014191.4); short protein forms S564N.
Identifiers: ClinVar variation 642810 (VCV000642810.9), dbSNP rs1592405696, ClinGen allele CA385229378.

ClinVar aggregate classification (germline): Uncertain significance (1 of 4 stars; one submission).

Conditions:
Early-infantile DEE. Also called: Early infantile epileptic encephalopathy; Early infantile epileptic encephalopathy with suppression bursts; Ohtahara syndrome. Identifiers: Orphanet 1934, MedGen C0393706, MONDO:0800491.

Allele frequency attached by ClinVar (database versions not stated): gnomAD exomes below 0.00001.
gnomAD v4.1: 1 of 1,613,294 alleles (0.000062%); highest among the groups gnomAD compares: Non-Finnish European, 0.000085%; no homozygotes.

Submission:

Labcorp Genetics (formerly Invitae), Labcorp
Classification: Uncertain significance for Early-infantile DEE. Last evaluated: 2018-12-13. Review status: criteria provided, single submitter. Criteria: Invitae Variant Classification Sherloc (09022015). Collection method: clinical testing. Allele origin: germline.
Comment: Algorithms developed to predict the effect of missense changes on protein structure and function are either unavailable or do not agree on the potential impact of this missense change (SIFT: "Deleterious"; PolyPhen-2: "Probably Damaging"; Align-GVGD: "Class C0"). This sequence change replaces serine with asparagine at codon 564 of the SCN8A protein (p.Ser564Asn). The serine residue is highly conserved and there is a small physicochemical difference between serine and asparagine. This variant is not present in population databases (ExAC no frequency). This variant has not been reported in the literature in individuals with SCN8A-related conditions. In summary, the available evidence is currently insufficient to determine the role of this variant in disease. Therefore, it has been classified as a Variant of Uncertain Significance.